The following is an entry in ClinVar:

ClinVar aggregate classification (germline): Conflicting classifications of pathogenicity. Review status: criteria provided, conflicting classifications (1 of 4 stars). 5 submissions from 5 submitters: Uncertain significance (4); Likely benign (1). Last evaluated 2026-05-13.

Conditions:
Endometrial carcinoma. Also called: Endometrial carcinoma, somatic. Identifiers: MedGen C0476089, MONDO:0002447, OMIM 608089, HP:0012114.
Hereditary nonpolyposis colorectal neoplasms. Identifiers: MedGen C0009405, MeSH D003123.
Hereditary cancer-predisposing syndrome. Also called: Hereditary Cancer Syndrome; Tumor predisposition; Hereditary neoplastic syndrome; Neoplastic Syndromes, Hereditary. Identifiers: Orphanet 140162, MedGen C0027672, MeSH D009386, MONDO:0015356.

gnomAD v4.1: 4 of 1,517,382 alleles (0.00026%); highest among the groups gnomAD compares: Non-Finnish European, 0.00035%; no homozygotes.

Submissions (5):

Institute for Biomarker Research, Medical Diagnostic Laboratories, L.L.C.
Classification: Uncertain significance for Hereditary cancer-predisposing syndrome. Last evaluated: 2026-05-13. Review status: criteria provided, single submitter. Criteria: ACMG Guidelines, 2015. Collection method: clinical testing. Allele origin: germline.
Comment: The missense variant NM_000179.2(MSH6):c.185G>T (p.Arg62Leu) is not currently classified as pathogenic in clinical sources (Accession: VCV000230147.20). There is a moderate physicochemical difference between arginine and leucine. The p.Arg62Leu variant is not predicted to introduce a novel splice site by any splice site algorithm. The p.Arg62Leu missense variant is predicted to be tolerated by both SIFT or PolyPhen2. The nucleotide c.185 in MSH6 is not conserved according to a GERP++ and PhyloP analysis of 100 vertebrates. For these reasons, this variant has been classified as Uncertain Significance.

Labcorp Genetics (formerly Invitae), Labcorp
Classification: Uncertain significance for Hereditary nonpolyposis colorectal neoplasms. Last evaluated: 2024-12-18. Review status: criteria provided, single submitter. Criteria: Invitae Variant Classification Sherloc (09022015). Collection method: clinical testing. Allele origin: germline.
Comment: This sequence change replaces arginine, which is basic and polar, with leucine, which is neutral and non-polar, at codon 62 of the MSH6 protein (p.Arg62Leu). This variant is not present in population databases (gnomAD no frequency). This variant has not been reported in the literature in individuals affected with MSH6-related conditions. ClinVar contains an entry for this variant (Variation ID: 230147). Invitae Evidence Modeling of protein sequence and biophysical properties (such as structural, functional, and spatial information, amino acid conservation, physicochemical variation, residue mobility, and thermodynamic stability) indicates that this missense variant is not expected to disrupt MSH6 protein function with a negative predictive value of 95%. In summary, the available evidence is currently insufficient to determine the role of this variant in disease. Therefore, it has been classified as a Variant of Uncertain Significance.

Color Diagnostics, LLC DBA Color Health
Classification: Uncertain significance for Hereditary cancer-predisposing syndrome. Last evaluated: 2024-03-06. Review status: criteria provided, single submitter. Criteria: ACMG Guidelines, 2015. Collection method: clinical testing. Allele origin: germline.
Comment: This missense variant replaces arginine with leucine at codon 62 of the MSH6 protein. Computational prediction suggests that this variant may not impact protein structure and function (internally defined REVEL score threshold <= 0.5, PMID: 27666373). To our knowledge, functional studies have not been reported for this variant. This variant has not been reported in individuals affected with MSH6-related disorders in the literature. This variant has not been identified in the general population by the Genome Aggregation Database (gnomAD). The available evidence is insufficient to determine the role of this variant in disease conclusively. Therefore, this variant is classified as a Variant of Uncertain Significance.

Ambry Genetics
Classification: Likely benign for Hereditary cancer-predisposing syndrome. Last evaluated: 2024-01-26. Review status: criteria provided, single submitter. Criteria: Ambry Variant Classification Scheme 2023. Collection method: clinical testing. Allele origin: germline.

Baylor Genetics
Classification: Uncertain significance for Endometrial carcinoma. Last evaluated: 2023-06-06. Review status: criteria provided, single submitter. Criteria: ACMG Guidelines, 2015. Collection method: clinical testing. Allele origin: unknown.

NM_000179.3(MSH6):c.185G>T (p.Arg62Leu)

Gene: MSH6 (mutS homolog 6; plus strand). Cytogenetic location: 2p16.3.
Variant type: single nucleotide variant.
Coding change: c.185G>T on transcript NM_000179.3 (MANE Select); coding-DNA position 185, G replaced by T.
Protein change: p.Arg62Leu; replaces arginine 62 with leucine.
Molecular consequence: missense variant. On other transcripts: 5 prime UTR variant (1).
Genome position (GRCh38, 1-based): chr2:47,783,418, G>T. VCF-style: chr2-47783418-G-T. GRCh37 (hg19) VCF-style: chr2-48010557-G-T.
Other names: c.185G>T, p.Arg62Leu (NM_001281492.2); c.-552G>T (NM_001281493.2); short protein forms R62L.
Identifiers: ClinVar variation 230147 (VCV000230147.21), dbSNP rs867979237, ClinGen allele CA10578028.